The following is an entry in ClinVar:

NM_006514.4(SCN10A):c.1419C>A (p.Asp473Glu)

Gene: SCN10A (sodium voltage-gated channel alpha subunit 10; minus strand). Cytogenetic location: 3p22.2.
Variant type: single nucleotide variant.
Coding change: c.1419C>A on transcript NM_006514.4 (MANE Select); coding-DNA position 1419, C replaced by A.
Protein change: p.Asp473Glu; replaces aspartic acid 473 with glutamic acid.
Molecular consequence: missense variant.
Genome position (GRCh38, 1-based): chr3:38,755,830, G>T on the plus strand (C>A on the coding strand, the complement: SCN10A is on the minus strand). VCF-style: chr3-38755830-G-T. GRCh37 (hg19) VCF-style: chr3-38797321-G-T.
Other names: c.1419C>A, p.Asp473Glu (NM_001293306.2, NM_001293307.2); short protein forms D473E.
Identifiers: ClinVar variation 2448851 (VCV002448851.2), dbSNP rs2470786730, ClinGen allele CA352168822.
Genomic context (GRCh38, chr3:38,755,830, plus strand): 5'-CAAACCTGAGCCTCTTACCATCCTGCGCTGGTTGTAAGGATCAGAGCGGGGTGATTTGTT[G>T]TCTTCTGTGGAGCCCTCTGACACTCTTGGCTTTATTCTATGCCTTCTCTCACTGGCATTT-3'
Protein context (NP_006505.4, residues 463-483): KPRVSEGSTE[Asp473Glu]NKSPRSDPYN

ClinVar aggregate classification (germline): Uncertain significance (1 of 4 stars; one submission).

Conditions:
Cardiovascular phenotype. Identifiers: MedGen CN230736.

Submission:

Ambry Genetics
Classification: Uncertain significance for Cardiovascular phenotype. Last evaluated: 2023-02-04. Review status: criteria provided, single submitter. Criteria: Ambry Variant Classification Scheme 2023. Collection method: clinical testing. Allele origin: germline.
Comment: The p.D473E variant (also known as c.1419C>A), located in coding exon 10 of the SCN10A gene, results from a C to A substitution at nucleotide position 1419. The aspartic acid at codon 473 is replaced by glutamic acid, an amino acid with highly similar properties. This amino acid position is conserved. In addition, this alteration is predicted to be tolerated by in silico analysis. Since supporting evidence is limited at this time, the clinical significance of this alteration remains unclear.